The following is an entry in ClinVar:

NC_000013.11:g.(?_23353775)_(23358491_?)del

Gene: SACS (sacsin molecular chaperone; minus strand). Cytogenetic location: 13q12.12.
Variant type: Deletion.
Identifiers: ClinVar variation 830755 (VCV000830755.7).

ClinVar aggregate classification (germline): Likely pathogenic (1 of 4 stars; one submission).

Conditions:
Spastic paraplegia. Identifiers: MedGen C0037772, HP:0001258.

Submission:

Labcorp Genetics (formerly Invitae), Labcorp
Classification: Likely pathogenic for Spastic paraplegia. Last evaluated: 2019-12-24. Review status: criteria provided, single submitter. Criteria: Invitae Variant Classification Sherloc (09022015). Collection method: clinical testing. Allele origin: germline.
Comment: In summary, the currently available evidence indicates that the variant is pathogenic, but additional data are needed to prove that conclusively. Therefore, this variant has been classified as Likely Pathogenic. This variant disrupts the p.Arg272 amino acid residue in SACS. Other variant(s) that disrupt this residue have been determined to be pathogenic (PMID: 19892370, 30901567). This suggests that this residue is clinically significant, and that variants that disrupt this residue are likely to be disease-causing. This variant has not been reported in the literature in individuals with SACS-related conditions. This variant is an in-frame deletion of the genomic region encompassing exons 7-9 of the SACS gene. It preserves the integrity of the reading frame.